The following is an entry in ClinVar:

NM_001457.4(FLNB):c.5378T>G (p.Val1793Gly)

Gene: FLNB (filamin B; plus strand). Cytogenetic location: 3p14.3.
Variant type: single nucleotide variant.
Coding change: c.5378T>G on transcript NM_001457.4 (MANE Select); coding-DNA position 5378, T replaced by G.
Protein change: p.Val1793Gly; replaces valine 1793 with glycine.
Molecular consequence: missense variant.
Genome position (GRCh38, 1-based): chr3:58,143,566, T>G. VCF-style: chr3-58143566-T-G. GRCh37 (hg19) VCF-style: chr3-58129293-T-G.
Other names: c.5471T>G, p.Val1824Gly (NM_001164317.2); c.5345T>G, p.Val1782Gly (NM_001164318.2); c.5306T>G, p.Val1769Gly (NM_001164319.2); short protein forms V1824G, V1769G, V1782G, V1793G.
Identifiers: ClinVar variation 4620077 (VCV004620077.2).
Genomic context (GRCh38, chr3:58,143,566, plus strand): 5'-CACCTGAGATTGTGGACAACAAGGACGGCACGGTCACTGTTAGATATGCCCCCACTGAGG[T>G]CGGGCTCCATGAGATGCACATCAAATACATGGGCAGCCACATCCCTGGTAAGCTGAGTCA-3'
Protein context (NP_001448.2, residues 1783-1803): TVTVRYAPTE[Val1793Gly]GLHEMHIKYM

ClinVar aggregate classification (germline): Uncertain significance. Review status: criteria provided, multiple submitters, no conflicts (2 of 4 stars). 2 submissions from 2 submitters: Uncertain significance (2). Last evaluated 2025-11-24.

Conditions:
Inborn genetic diseases. Identifiers: MedGen C0950123, MeSH D030342.

gnomAD v4.1: 9 of 1,613,908 alleles (0.00056%); highest among the groups gnomAD compares: Non-Finnish European, 0.00076%; no homozygotes.

Submissions (2):

Ambry Genetics
Classification: Uncertain significance for Inborn genetic diseases. Last evaluated: 2025-11-24. Review status: criteria provided, single submitter. Criteria: Ambry Variant Classification Scheme 2023. Collection method: clinical testing. Allele origin: germline.

Labcorp Genetics (formerly Invitae), Labcorp
Classification: Uncertain significance. Last evaluated: 2025-05-13. Review status: criteria provided, single submitter. Criteria: Invitae Variant Classification Sherloc (09022015). Collection method: clinical testing. Allele origin: germline.
Comment: This sequence change replaces valine, which is neutral and non-polar, with glycine, which is neutral and non-polar, at codon 1793 of the FLNB protein (p.Val1793Gly). This variant is present in population databases (no rsID available, gnomAD 0.0009%). This variant has not been reported in the literature in individuals affected with FLNB-related conditions. Invitae Evidence Modeling of protein sequence and biophysical properties (such as structural, functional, and spatial information, amino acid conservation, physicochemical variation, residue mobility, and thermodynamic stability) indicates that this missense variant is not expected to disrupt FLNB protein function with a negative predictive value of 95%. In summary, the available evidence is currently insufficient to determine the role of this variant in disease. Therefore, it has been classified as a Variant of Uncertain Significance.